The following is an entry in ClinVar:

NM_006208.3(ENPP1):c.2713_2717del (p.Lys905fs)

Gene: ENPP1 (ectonucleotide pyrophosphatase/phosphodiesterase 1; plus strand). Cytogenetic location: 6q23.2.
Variant type: Microsatellite.
Coding change: c.2713_2717del on transcript NM_006208.3 (MANE Select); coding-DNA positions 2713 to 2717, 5 bases deleted (AAAGA; older notation c.2713_2717delAAAGA).
Protein change: p.Lys905fs; shifts the reading frame from lysine 905.
Molecular consequence: frameshift variant.
Genome position (GRCh38, 1-based): chr6:131,890,446-131,890,450, AAAGA deleted; deleting any 5 consecutive bases within chr6:131,890,441-131,890,450 gives the same sequence; the c. name uses the placement nearest the transcript's 3' end. VCF-style (leftmost placement, unchanged base first): chr6-131890440-CAAAGA-C. GRCh37 (hg19) VCF-style: chr6-132211580-CAAAGA-C.
Other names: short protein forms K905fs.
Identifiers: ClinVar variation 2136474 (VCV002136474.5), dbSNP rs762731863, ClinGen allele CA4002616.

ClinVar aggregate classification (germline): Pathogenic. Review status: criteria provided, multiple submitters, no conflicts (2 of 4 stars). 2 submissions from 2 submitters: Pathogenic (2). Last evaluated 2024-09-23.

Conditions:
ENPP1-related disorder. Also called: ENPP1-related disorders; ENPP1-related condition.

Submissions (2):

Blueprint Genetics
Classification: Pathogenic for ENPP1-related disorders. Last evaluated: 2024-09-23. Review status: criteria provided, single submitter. Criteria: ACMG Guidelines, 2015. Collection method: clinical testing. Allele origin: germline. Affected: yes. Observed: 5 variant alleles.

Labcorp Genetics (formerly Invitae), Labcorp
Classification: Pathogenic. Last evaluated: 2022-07-12. Review status: criteria provided, single submitter. Criteria: Invitae Variant Classification Sherloc (09022015). Collection method: clinical testing. Allele origin: germline.
Comment: This variant is present in population databases (rs762731863, gnomAD 0.2%). This sequence change creates a premature translational stop signal (p.Lys905Alafs*16) in the ENPP1 gene. While this is not anticipated to result in nonsense mediated decay, it is expected to disrupt the last 21 amino acid(s) of the ENPP1 protein. This premature translational stop signal has been observed in individual(s) with autosomal recessive infantile arterial calcification (PMID: 12881724). In at least one individual the data is consistent with being in trans (on the opposite chromosome) from a pathogenic variant. For these reasons, this variant has been classified as Pathogenic. This variant disrupts a region of the ENPP1 protein in which other variant(s) (p.Leu912Ser) have been observed in individuals with ENPP1-related conditions (PMID: 33005041). This suggests that this is a clinically significant region of the protein, and that variants that disrupt it are likely to be disease-causing. Experimental studies have shown that this premature translational stop signal affects ENPP1 function (PMID: 12881724). Algorithms developed to predict the effect of variants on protein structure and function are not available or were not evaluated for this variant.

Literature cited by the submitters: PubMed 12881724 (cited by Labcorp Genetics (formerly Invitae), Labcorp); PubMed 33005041 (cited by Labcorp Genetics (formerly Invitae), Labcorp).